The following is an entry in ClinVar:

NM_022041.4(GAN):c.*1839G>A

Gene: GAN (gigaxonin; plus strand). Cytogenetic location: 16q23.2.
Variant type: single nucleotide variant.
Coding change: c.*1839G>A on transcript NM_022041.4 (MANE Select); 1839 bases downstream of the stop codon, G replaced by A.
Molecular consequence: 3 prime UTR variant.
Genome position (GRCh38, 1-based): chr16:81,379,435, G>A. VCF-style: chr16-81379435-G-A. GRCh37 (hg19) VCF-style: chr16-81413040-G-A.
Other names: c.*1839G>A (NM_001377486.1).
Identifiers: ClinVar variation 320701 (VCV000320701.5), dbSNP rs375907932, ClinGen allele CA10644354.
Genomic context (GRCh38, chr16:81,379,435, plus strand): 5'-TGATAAGAGAAGGTGTAAGGTTTTTATCTTATATGCCAGAGGCACCAGGCCAGATGTGCC[G>A]CACAGTCATGTAATTCAATCATGTTTAATATGTCAGTCAAAACCAAATTCAGAATTGTTT-3'

ClinVar aggregate classification (germline): Likely benign (1 of 4 stars; one submission).

Conditions:
Giant axonal neuropathy 1 (GAN1). Also called: GAN-Related Neurodegeneration; GIANT AXONAL NEUROPATHY 1, AUTOSOMAL RECESSIVE. Identifiers: Orphanet 643, MedGen C1850386, MONDO:0009749, OMIM 256850.

Allele frequency attached by ClinVar (database versions not stated): TOPMed 0.00002; gnomAD 0.00006; 1000 Genomes Project 0.00060; 1000 Genomes Project 30x 0.00062.

Submission:

Illumina Laboratory Services, Illumina
Classification: Likely benign for Giant axonal neuropathy 1. Last evaluated: 2018-01-12. Review status: criteria provided, single submitter. Criteria: ICSL Variant Classification Criteria 13 December 2019. Collection method: clinical testing. Allele origin: germline.
Comment: This variant was observed in the ICSL laboratory as part of a predisposition screen in an ostensibly healthy population. It had not been previously curated by ICSL or reported in the Human Gene Mutation Database (HGMD: prior to June 1st, 2018), and was therefore a candidate for classification through an automated scoring system. Utilizing variant allele frequency, disease prevalence and penetrance estimates, and inheritance mode, an automated score was calculated to assess if this variant is too frequent to cause the disease. Based on the score and internal cut-off values, a variant classified as likely benign is not then subjected to further curation. The score for this variant resulted in a classification of likely benign for this disease.